The following is an entry in ClinVar:

NM_031307.4(PUS3):c.25A>G (p.Asn9Asp)

Genes: HYLS1 (HYLS1 centriolar and ciliogenesis associated; plus strand), PUS3 (pseudouridine synthase 3; minus strand). Cytogenetic location: 11q24.2.
Variant type: single nucleotide variant.
Coding change: c.25A>G on transcript NM_031307.4 (MANE Select); coding-DNA position 25, A replaced by G.
Protein change: p.Asn9Asp; replaces asparagine 9 with aspartic acid.
Molecular consequence: missense variant. On other transcripts: intron variant (6).
Genome position (GRCh38, 1-based): chr11:125,896,260, T>C on the plus strand (A>G on the coding strand, the complement: PUS3 is on the minus strand). VCF-style: chr11-125896260-T-C. GRCh37 (hg19) VCF-style: chr11-125766155-T-C.
Other names: c.25A>G (NM_031307.3); c.-80-2844T>C (NM_145014.3); c.-25-3084T>C (NM_001134793.2, NM_001377269.1); c.-22-3087T>C (NM_001424364.1, NM_001377270.1); c.-246-471A>G (NM_001271985.2); short protein forms N9D.
Identifiers: ClinVar variation 2080825 (VCV002080825.3), dbSNP rs201192937, ClinGen allele CA6350612.

ClinVar aggregate classification (germline): Uncertain significance. Review status: criteria provided, multiple submitters, no conflicts (2 of 4 stars). 2 submissions from 2 submitters: Uncertain significance (2). Last evaluated 2025-08-02.

Conditions:
Inborn genetic diseases. Identifiers: MedGen C0950123, MeSH D030342.

Allele frequency attached by ClinVar (database versions not stated): gnomAD exomes 0.00002; ExAC 0.00011; ESP Exome Variant Server 0.00015; gnomAD 0.00034; TOPMed 0.00049; 1000 Genomes Project 0.00080.
gnomAD v4.1: 91 of 1,612,150 alleles (0.0056%); highest among the groups gnomAD compares: African/African-American, 0.08%; no homozygotes.

Submissions (2):

Ambry Genetics
Classification: Uncertain significance for Inborn genetic diseases. Last evaluated: 2025-08-02. Review status: criteria provided, single submitter. Criteria: Ambry Variant Classification Scheme 2023. Collection method: clinical testing. Allele origin: germline.

Labcorp Genetics (formerly Invitae), Labcorp
Classification: Uncertain significance. Last evaluated: 2022-06-19. Review status: criteria provided, single submitter. Criteria: Invitae Variant Classification Sherloc (09022015). Collection method: clinical testing. Allele origin: germline.
Comment: In summary, the available evidence is currently insufficient to determine the role of this variant in disease. Therefore, it has been classified as a Variant of Uncertain Significance. Algorithms developed to predict the effect of missense changes on protein structure and function (SIFT, PolyPhen-2, Align-GVGD) all suggest that this variant is likely to be tolerated. This variant has not been reported in the literature in individuals affected with PUS3-related conditions. This variant is present in population databases (rs201192937, gnomAD 0.1%). This sequence change replaces asparagine, which is neutral and polar, with aspartic acid, which is acidic and polar, at codon 9 of the PUS3 protein (p.Asn9Asp).